The following is an entry in ClinVar:

NM_001197104.2(KMT2A):c.2276G>A (p.Ser759Asn)

Gene: KMT2A (lysine methyltransferase 2A; plus strand). Cytogenetic location: 11q23.3.
Variant type: single nucleotide variant.
Coding change: c.2276G>A on transcript NM_001197104.2 (MANE Select); coding-DNA position 2276, G replaced by A.
Protein change: p.Ser759Asn; replaces serine 759 with asparagine.
Molecular consequence: missense variant.
Genome position (GRCh38, 1-based): chr11:118,473,435, G>A. VCF-style: chr11-118473435-G-A. GRCh37 (hg19) VCF-style: chr11-118344150-G-A.
Other names: c.2375G>A, p.Ser792Asn (NM_001412597.1); c.2276G>A, p.Ser759Asn (NM_005933.4); short protein forms S759N, S792N.
Identifiers: ClinVar variation 2706477 (VCV002706477.3), dbSNP rs2134267158, ClinGen allele CA382814114.

ClinVar aggregate classification (germline): Uncertain significance (1 of 4 stars; one submission).

Submission:

Labcorp Genetics (formerly Invitae), Labcorp
Classification: Uncertain significance. Last evaluated: 2024-01-07. Review status: criteria provided, single submitter. Criteria: Invitae Variant Classification Sherloc (09022015). Collection method: clinical testing. Allele origin: germline.
Comment: This sequence change replaces serine, which is neutral and polar, with asparagine, which is neutral and polar, at codon 759 of the KMT2A protein (p.Ser759Asn). This variant is not present in population databases (gnomAD no frequency). This variant has not been reported in the literature in individuals affected with KMT2A-related conditions. Advanced modeling of protein sequence and biophysical properties (such as structural, functional, and spatial information, amino acid conservation, physicochemical variation, residue mobility, and thermodynamic stability) has been performed at Invitae for this missense variant, however the output from this modeling did not meet the statistical confidence thresholds required to predict the impact of this variant on KMT2A protein function. In summary, the available evidence is currently insufficient to determine the role of this variant in disease. Therefore, it has been classified as a Variant of Uncertain Significance.